The following is an entry in ClinVar:

ClinVar aggregate classification (germline): Uncertain significance (1 of 4 stars; one submission).

Allele frequency attached by ClinVar (database versions not stated): ExAC 0.00003; TOPMed 0.00006; gnomAD 0.00007; ESP Exome Variant Server 0.00008.
gnomAD v4.1: 24 of 1,601,366 alleles (0.0015%); highest among the groups gnomAD compares: African/African-American, 0.031%; no homozygotes.

Submission:

Labcorp Genetics (formerly Invitae), Labcorp
Classification: Uncertain significance. Last evaluated: 2025-04-14. Review status: criteria provided, single submitter. Criteria: Invitae Variant Classification Sherloc (09022015). Collection method: clinical testing. Allele origin: germline.
Comment: This sequence change falls in intron 4 of the OAS1 gene. It does not directly change the encoded amino acid sequence of the OAS1 protein. It affects a nucleotide within the consensus splice site. This variant is present in population databases (rs372526688, gnomAD 0.02%). This variant has not been reported in the literature in individuals affected with OAS1-related conditions. ClinVar contains an entry for this variant (Variation ID: 2416782). Variants that disrupt the consensus splice site are a relatively common cause of aberrant splicing (PMID: 17576681, 9536098). Algorithms developed to predict the effect of sequence changes on RNA splicing suggest that this variant is not likely to affect RNA splicing. In summary, the available evidence is currently insufficient to determine the role of this variant in disease. Therefore, it has been classified as a Variant of Uncertain Significance.

Literature cited by the submitters: PubMed 17576681; PubMed 9536098.

NM_016816.4(OAS1):c.884+6C>T

Gene: OAS1 (2'-5'-oligoadenylate synthetase 1; plus strand). Cytogenetic location: 12q24.13.
Variant type: single nucleotide variant.
Coding change: c.884+6C>T on transcript NM_016816.4 (MANE Select); 6 bases into the intron after coding-DNA position 884, C replaced by T.
Molecular consequence: intron variant.
Genome position (GRCh38, 1-based): chr12:112,916,744, C>T. VCF-style: chr12-112916744-C-T. GRCh37 (hg19) VCF-style: chr12-113354549-C-T.
Other names: c.884+6C>T (NM_001320151.2, NM_001032409.3, NM_002534.4).
Identifiers: ClinVar variation 2416782 (VCV002416782.6), dbSNP rs372526688, ClinGen allele CA6799905.